The following is an entry in ClinVar:

ClinVar aggregate classification (germline): Uncertain significance (1 of 4 stars; one submission).

Conditions:
Frontometaphyseal dysplasia 1 (FMD1). Also called: Frontometaphyseal Dysplasia (FLNA-FMD). Identifiers: Orphanet 1826, MedGen C4281559, MONDO:0024550, OMIM 305620.
Oto-palato-digital syndrome, type I (OPD1). Also called: OPD I SYNDROME; OPD SYNDROME 1; Otopalatodigital Syndrome, Type I; Otopalatodigital Syndrome Type 1 (FLNA-OPD1); Taybi syndrome. Identifiers: Orphanet 669, Orphanet 90650, MedGen C0265251, MONDO:0010704, OMIM 311300.
Oto-palato-digital syndrome, type II (OPD2). Also called: OPD II SYNDROME; Otopalatodigital Syndrome, Type II; Otopalatodigital Syndrome Type 2 (FLNA-OPD2); FACIOPALATOOSSEOUS SYNDROME. Identifiers: Orphanet 669, Orphanet 90652, MedGen C1844696, MONDO:0010571, OMIM 304120.
Melnick-Needles syndrome (MNS). Also called: MELNICK-NEEDLES OSTEODYSPLASTY; OSTEODYSPLASTY OF MELNICK AND NEEDLES; Melnick-Needles Syndrome (FLNA-MNS). Identifiers: Orphanet 2484, MedGen C0025237, MONDO:0010650, OMIM 309350.
FG syndrome 2 (FGS2). Identifiers: MedGen C1845902, MONDO:0010297, OMIM 300321.
Cardiac valvular dysplasia, X-linked (CVDPX). Also called: FLNA-Related X-linked Cardiac Valvular Dysplasia; MYXOMATOUS VALVULAR DYSTROPHY, X-LINKED; Isolated X-Linked Cardiac Valvular Dysplasia; VALVULAR HEART DISEASE, CONGENITAL; Congenital valvular dysplasia. Identifiers: Orphanet 1864, Orphanet 555877, Orphanet 75497, MedGen C0262436, MONDO:0010753, OMIM 314400.
Terminal osseous dysplasia-pigmentary defects syndrome. Also called: ODPD; ODPF SYNDROME; OSSEOUS DYSPLASIA, DIGITAL, WITH FACIAL PIGMENTARY DEFECTS AND MULTIPLE FRENULA; TERMINAL OSSEOUS DYSPLASIA AND PIGMENTARY DEFECTS; Terminal Osseous Dysplasia (FLNA-TOD). Identifiers: Orphanet 88630, MedGen C1846129, MONDO:0010279, OMIM 300244.
Intestinal pseudoobstruction, neuronal, chronic idiopathic, X-linked (CIIPX). Also called: INTESTINAL PSEUDOOBSTRUCTION, NEURONAL, CHRONIC IDIOPATHIC, WITH CENTRAL NERVOUS SYSTEM INVOLVEMENT; FLNA-Related Periventricular Nodular Heterotopia (FLNA-Related PVNH; Huttenlocher Syndrome); CONGENITAL IDIOPATHIC INTESTINAL PSEUDOOBSTRUCTION. Identifiers: Orphanet 2301, MedGen C2746068, MONDO:0010232, OMIM 300048.
Heterotopia, periventricular, X-linked dominant (PVNH1). Also called: PERIVENTRICULAR NODULAR HETEROTOPIA 1; PERIVENTRICULAR NODULAR HETEROTOPIA 4; HETEROTOPIA, PERIVENTRICULAR, 1; X-linked periventricular heterotopia. Identifiers: Orphanet 2149, Orphanet 82004, MedGen C1848213, MONDO:0010233, OMIM 300049.

Submission:

Juno Genomics, Hangzhou Juno Genomics, Inc
Classification: Uncertain significance for FG syndrome 2; Cardiac valvular dysplasia, X-linked; Intestinal pseudoobstruction, neuronal, chronic idiopathic, X-linked; Frontometaphyseal dysplasia 1; Heterotopia, periventricular, X-linked dominant; Melnick-Needles syndrome; Oto-palato-digital syndrome, type I; Oto-palato-digital syndrome, type II; Terminal osseous dysplasia-pigmentary defects syndrome. Review status: criteria provided, single submitter. Criteria: ACMG Guidelines, 2015. Collection method: clinical testing. Allele origin: germline.
Comment: Absent from controls (or at extremely low frequency if recessive) in Genome Aggregation Database.;Multiple lines of computational evidence support a deleterious effect on the gene or gene product.

NM_001110556.2(FLNA):c.6524C>T (p.Thr2175Ile)

Gene: FLNA (filamin A; minus strand). Cytogenetic location: Xq28.
Variant type: single nucleotide variant.
Coding change: c.6524C>T on transcript NM_001110556.2 (MANE Select); coding-DNA position 6524, C replaced by T.
Protein change: p.Thr2175Ile; replaces threonine 2175 with isoleucine.
Molecular consequence: missense variant.
Genome position (GRCh38, 1-based): chrX:154,352,426, G>A on the plus strand (C>T on the coding strand, the complement: FLNA is on the minus strand). VCF-style: chrX-154352426-G-A. GRCh37 (hg19) VCF-style: chrX-153580794-G-A.
Other names: c.6500C>T, p.Thr2167Ile (NM_001456.4); short protein forms T2175I, T2167I.
Identifiers: ClinVar variation 5007528 (VCV005007528.2).
Genomic context (GRCh38, chrX:154,352,426, plus strand): 5'-TTCTCCCCTTCCACGATCTCGGCCTCATGGGTCTTGCCCGATGGGCTGGTCACCTGGGCT[G>A]TCATATCCTGGATGCTAATTTCTGCAGGGTGGGGATGGGCTAGTGAGCAGCAGCCCTGGG-3'
Protein context (NP_001104026.1, residues 2165-2185): KIPEISIQDM[Thr2175Ile]AQVTSPSGKT